The following is an entry in ClinVar:

ClinVar aggregate classification (germline): Likely benign. Review status: criteria provided, multiple submitters, no conflicts (2 of 4 stars). 5 submissions from 5 submitters: Likely benign (5). Last evaluated 2026-01-26.

Conditions:
TTN-related disorder. Also called: TTN-related condition; TTN-related disease; TTN-related disorders.
Cardiovascular phenotype. Identifiers: MedGen CN230736.
Dilated cardiomyopathy 1G (CMD1G). Identifiers: Orphanet 154, MedGen C1858763, MONDO:0011400, OMIM 604145.
Autosomal recessive limb-girdle muscular dystrophy type 2J (LGMDR10). Also called: Limb-girdle muscular dystrophy, type 2J; MUSCULAR DYSTROPHY, LIMB-GIRDLE, AUTOSOMAL RECESSIVE 10. Identifiers: Orphanet 140922, MedGen C1837342, MONDO:0012127, OMIM 608807.

Allele frequency attached by ClinVar (database versions not stated): TOPMed 0.00005; ExAC 0.00007; gnomAD 0.00007 and 0.00008; gnomAD exomes 0.00007; ESP Exome Variant Server 0.00008.
gnomAD v4.1: 109 of 1,613,064 alleles (0.0068%); highest among the groups gnomAD compares: Non-Finnish European, 0.0089%; no homozygotes.

Submissions (5):

Labcorp Genetics (formerly Invitae), Labcorp
Classification: Likely benign for Dilated cardiomyopathy 1G; Autosomal recessive limb-girdle muscular dystrophy type 2J. Last evaluated: 2026-01-26. Review status: criteria provided, single submitter. Criteria: Invitae Variant Classification Sherloc (09022015). Collection method: clinical testing. Allele origin: germline.

PreventionGenetics, part of Exact Sciences
Classification: Likely benign for TTN-related condition. Last evaluated: 2025-05-28. Review status: criteria provided, single submitter. Criteria: ACMG Guidelines, 2015. Collection method: clinical testing. Allele origin: germline.
Comment: This variant is classified as likely benign based on ACMG/AMP sequence variant interpretation guidelines (Richards et al. 2015 PMID: 25741868, with internal and published modifications).

Blueprint Genetics
Classification: Likely benign. Last evaluated: 2024-09-14. Review status: criteria provided, single submitter. Criteria: ACMG Guidelines, 2015. Collection method: clinical testing. Allele origin: germline.

Ambry Genetics
Classification: Likely benign for Cardiovascular phenotype. Last evaluated: 2022-11-15. Review status: criteria provided, single submitter. Criteria: Ambry Variant Classification Scheme 2023. Collection method: clinical testing. Allele origin: germline.

Laboratory for Molecular Medicine, Mass General Brigham Personalized Medicine
Classification: Likely benign. Last evaluated: 2012-03-19. Review status: criteria provided, single submitter. Criteria: LMM Criteria. Collection method: clinical testing. Allele origin: germline. Observed: 1 variant allele.
Comment: Ser11821Ser in exon 183 of TTN: This variant is not expected to have clinical si gnificance because it does not alter an amino acid residue and is not located wi thin the splice consensus sequence. It has been identified in 1/6632 European Am erican chromosomes from a broad population by the NHLBI Exome Sequencing Project. Ser11821Ser in exon 183 of TTN (allele fre quency = 1/6632) **

NM_001267550.2(TTN):c.43167C>T (p.Ser14389=)

Gene: TTN (titin; minus strand). Cytogenetic location: 2q31.2.
Variant type: single nucleotide variant.
Coding change: c.43167C>T on transcript NM_001267550.2 (MANE Select); coding-DNA position 43167, C replaced by T.
Protein change: p.Ser14389=; no amino-acid change (serine 14389 retained).
Molecular consequence: synonymous variant.
Genome position (GRCh38, 1-based): chr2:178,632,964, G>A on the plus strand (C>T on the coding strand, the complement: TTN is on the minus strand). VCF-style: chr2-178632964-G-A. GRCh37 (hg19) VCF-style: chr2-179497691-G-A.
Other names: c.35463C>T, p.Ser11821= (NM_133378.4); c.38244C>T, p.Ser12748= (NM_001256850.1); c.15972C>T, p.Ser5324= (NM_003319.4); c.16347C>T, p.Ser5449= (NM_133432.3); c.16548C>T, p.Ser5516= (NM_133437.4).
Identifiers: ClinVar variation 178216 (VCV000178216.19), dbSNP rs375780439, ClinGen allele CA181810.